The following is an entry in ClinVar:

NM_003319.4(TTN):c.20966-11dup

Genes: TTN (titin; minus strand), TTN-AS1 (TTN antisense RNA 1; plus strand). Cytogenetic location: 2q31.2.
Variant type: Duplication.
Coding change: c.20966-11dup on transcript NM_003319.4; 11 bases into the intron before coding-DNA position 20966, one base duplicated (T; older notation c.20966-11dupT).
Molecular consequence: intron variant (on NM_133378.4).
Genome position (GRCh38, 1-based): chr2:178,616,634, A duplicated on the plus strand (T on the coding strand, the reverse complement: TTN is on the minus strand); the first of 8 consecutive A bases (chr2:178,616,634-178,616,641); duplicating any one gives the same sequence. VCF-style (leftmost placement, unchanged base first): chr2-178616633-G-GA. GRCh37 (hg19) VCF-style: chr2-179481360-G-GA.
Other names: c.40457-4_40457-3insT (NM_133378.4); c.21542-11dup (NM_133437.4); c.21341-11dup (NM_133432.3); c.40457-11dup (NM_133378.4); c.43238-11dup (NM_001256850.1); c.48161-11dup (NM_001267550.2).
Identifiers: ClinVar variation 180123 (VCV000180123.14), dbSNP rs730880371, ClinGen allele CA185855.

ClinVar aggregate classification (germline): Conflicting classifications of pathogenicity. Review status: criteria provided, conflicting classifications (1 of 4 stars). 3 submissions from 3 submitters: Uncertain significance (1); Likely benign (2). Last evaluated 2023-10-28.

Conditions:
Dilated cardiomyopathy 1G (CMD1G). Identifiers: Orphanet 154, MedGen C1858763, MONDO:0011400, OMIM 604145.
Autosomal recessive limb-girdle muscular dystrophy type 2J (LGMDR10). Also called: Limb-girdle muscular dystrophy, type 2J; MUSCULAR DYSTROPHY, LIMB-GIRDLE, AUTOSOMAL RECESSIVE 10. Identifiers: Orphanet 140922, MedGen C1837342, MONDO:0012127, OMIM 608807.

Submissions (3):

Labcorp Genetics (formerly Invitae), Labcorp
Classification: Likely benign for Dilated cardiomyopathy 1G; Autosomal recessive limb-girdle muscular dystrophy type 2J. Last evaluated: 2023-10-28. Review status: criteria provided, single submitter. Criteria: Invitae Variant Classification Sherloc (09022015). Collection method: clinical testing. Allele origin: germline.

GeneDx
Classification: Likely benign. Last evaluated: 2020-03-02. Review status: criteria provided, single submitter. Criteria: GeneDx Variant Classification Process June 2021. Collection method: clinical testing. Allele origin: germline. Affected: yes.
Comment: See Variant Classification Assertion Criteria.

Laboratory for Molecular Medicine, Mass General Brigham Personalized Medicine
Classification: Uncertain significance. Last evaluated: 2014-12-17. Review status: criteria provided, single submitter. Criteria: LMM Criteria. Collection method: clinical testing. Allele origin: germline. Observed: 1 variant allele.
Comment: Variant classified as Uncertain Significance - Favor Benign. The c.40457-4_40427 -3insT variant in TTN has not been previously reported in individuals with cardi omyopathy, but has been identified in 2/67106 European chromosomes by the Exome Aggregation Consortium (ExAC). This variant is l ocated in the 3' splice region in a polyT stretch. Computational tools do not su ggest an impact to splicing. However, this information is not predictive enough to rule out pathogenicity. In summary, while the clinical significance of the c. 40457-4_40427-3insT variant is uncertain, the fact that the insertion does not c ause the splice site to diverge from consensus suggests that it is more likely t o be benign.